The following is an entry in ClinVar:

NM_001253697.2(ERBIN):c.3008C>G (p.Ala1003Gly)

Gene: ERBIN (erbb2 interacting protein; plus strand). Cytogenetic location: 5q12.3.
Variant type: single nucleotide variant.
Coding change: c.3008C>G on transcript NM_001253697.2 (MANE Select); coding-DNA position 3008, C replaced by G.
Protein change: p.Ala1003Gly; replaces alanine 1003 with glycine.
Molecular consequence: missense variant.
Genome position (GRCh38, 1-based): chr5:66,054,326, C>G. VCF-style: chr5-66054326-C-G. GRCh37 (hg19) VCF-style: chr5-65350154-C-G.
Other names: c.3008C>G, p.Ala1003Gly (NM_001006600.3, NM_001253698.2, NM_001253699.2 and 1 more transcripts); c.2996C>G, p.Ala999Gly (NM_001253701.2); short protein forms A1003G, A999G.
Identifiers: ClinVar variation 1929787 (VCV001929787.5), dbSNP rs576995477, ClinGen allele CA119868344.
Genomic context (GRCh38, chr5:66,054,326, plus strand): 5'-GCAGTGCTGCAGTCAAAGACACTTTGTGGCACTCCAAACAAAATCCCCAAATAGACCATG[C>G]CAGTTTTCCTCCTCAGCTCCTTCCTAGATCAGAGAGCACAGAAAATCAAAGTTATGCTAA-3'
Protein context (NP_001240626.1, residues 993-1013): HSKQNPQIDH[Ala1003Gly]SFPPQLLPRS

ClinVar aggregate classification (germline): Uncertain significance (1 of 4 stars; one submission).

gnomAD v4.1: 7 of 1,614,140 alleles (0.00043%); highest among the groups gnomAD compares: African/African-American, 0.0053%; no homozygotes.

Submission:

Labcorp Genetics (formerly Invitae), Labcorp
Classification: Uncertain significance. Last evaluated: 2023-12-11. Review status: criteria provided, single submitter. Criteria: Invitae Variant Classification Sherloc (09022015). Collection method: clinical testing. Allele origin: germline.
Comment: This sequence change replaces alanine, which is neutral and non-polar, with glycine, which is neutral and non-polar, at codon 1003 of the ERBIN protein (p.Ala1003Gly). This variant is not present in population databases (gnomAD no frequency). This variant has not been reported in the literature in individuals affected with ERBIN-related conditions. ClinVar contains an entry for this variant (Variation ID: 1929787). Algorithms developed to predict the effect of missense changes on protein structure and function output the following: SIFT: "Not Available"; PolyPhen-2: "Benign"; Align-GVGD: "Not Available". The glycine amino acid residue is found in multiple mammalian species, which suggests that this missense change does not adversely affect protein function. In summary, the available evidence is currently insufficient to determine the role of this variant in disease. Therefore, it has been classified as a Variant of Uncertain Significance.